The following is an entry in ClinVar:

ClinVar aggregate classification (germline): Uncertain significance. Review status: criteria provided, multiple submitters, no conflicts (2 of 4 stars). 2 submissions from 2 submitters: Uncertain significance (2). Last evaluated 2025-08-21.

Conditions:
Inborn genetic diseases. Identifiers: MedGen C0950123, MeSH D030342.

Allele frequency attached by ClinVar (database versions not stated): gnomAD exomes 0.00001 and 0.00002; gnomAD 0.00002; ExAC 0.00003; TOPMed 0.00003.

Submissions (2):

Ambry Genetics
Classification: Uncertain significance for Inborn genetic diseases. Last evaluated: 2025-08-21. Review status: criteria provided, single submitter. Criteria: Ambry Variant Classification Scheme 2023. Collection method: clinical testing. Allele origin: germline.

Labcorp Genetics (formerly Invitae), Labcorp
Classification: Uncertain significance. Last evaluated: 2022-07-05. Review status: criteria provided, single submitter. Criteria: Invitae Variant Classification Sherloc (09022015). Collection method: clinical testing. Allele origin: germline.
Comment: This variant has not been reported in the literature in individuals affected with MYH14-related conditions. This variant is present in population databases (rs758406907, gnomAD 0.007%). This sequence change replaces asparagine, which is neutral and polar, with serine, which is neutral and polar, at codon 1773 of the MYH14 protein (p.Asn1773Ser). ClinVar contains an entry for this variant (Variation ID: 1499415). In summary, the available evidence is currently insufficient to determine the role of this variant in disease. Therefore, it has been classified as a Variant of Uncertain Significance. Algorithms developed to predict the effect of missense changes on protein structure and function (SIFT, PolyPhen-2, Align-GVGD) all suggest that this variant is likely to be tolerated.

NM_001145809.2(MYH14):c.5441A>G (p.Asn1814Ser)

Gene: MYH14 (myosin heavy chain 14; plus strand). Cytogenetic location: 19q13.33.
Variant type: single nucleotide variant.
Coding change: c.5441A>G on transcript NM_001145809.2 (MANE Select); coding-DNA position 5441, A replaced by G.
Protein change: p.Asn1814Ser; replaces asparagine 1814 with serine.
Molecular consequence: missense variant.
Genome position (GRCh38, 1-based): chr19:50,293,659, A>G. VCF-style: chr19-50293659-A-G. GRCh37 (hg19) VCF-style: chr19-50796916-A-G.
Other names: c.5342A>G, p.Asn1781Ser (NM_001077186.2); c.5318A>G, p.Asn1773Ser (NM_024729.4); c.5318A>G (NM_024729.3); short protein forms N1773S, N1781S, N1814S.
Identifiers: ClinVar variation 1499415 (VCV001499415.9), dbSNP rs758406907, ClinGen allele CA9593795.